The following is an entry in ClinVar:

NM_024876.4(COQ8B):c.289+13T>C

Gene: COQ8B (coenzyme Q8B; minus strand). Cytogenetic location: 19q13.2.
Variant type: single nucleotide variant.
Coding change: c.289+13T>C on transcript NM_024876.4 (MANE Select); 13 bases into the intron after coding-DNA position 289, T replaced by C.
Molecular consequence: intron variant.
Genome position (GRCh38, 1-based): chr19:40,714,054, A>G on the plus strand (T>C on the coding strand, the complement: COQ8B is on the minus strand). VCF-style: chr19-40714054-A-G. GRCh37 (hg19) VCF-style: chr19-41219959-A-G.
Other names: c.289+13T>C (NM_001142555.3).
Identifiers: ClinVar variation 386294 (VCV000386294.4), dbSNP rs371151776, ClinGen allele CA9450480.

ClinVar aggregate classification (germline): Likely benign. Review status: criteria provided, multiple submitters, no conflicts (2 of 4 stars). 2 submissions from 2 submitters: Likely benign (2). Last evaluated 2024-06-28.

Allele frequency attached by ClinVar (database versions not stated): gnomAD exomes below 0.00001 and 0.00001; ExAC 0.00002; TOPMed 0.00002; gnomAD 0.00003 and 0.00004; ESP Exome Variant Server 0.00008.

Submissions (2):

Labcorp Genetics (formerly Invitae), Labcorp
Classification: Likely benign. Last evaluated: 2024-06-28. Review status: criteria provided, single submitter. Criteria: Invitae Variant Classification Sherloc (09022015). Collection method: clinical testing. Allele origin: germline.

GeneDx
Classification: Likely benign. Last evaluated: 2016-06-08. Review status: criteria provided, single submitter. Criteria: GeneDx Variant Classification (06012015). Collection method: clinical testing. Allele origin: germline. Affected: yes.
Comment: This variant is considered likely benign or benign based on one or more of the following criteria: it is a conservative change, it occurs at a poorly conserved position in the protein, it is predicted to be benign by multiple in silico algorithms, and/or has population frequency not consistent with disease.